The following is an entry in ClinVar:

ClinVar aggregate classification (germline): Uncertain significance (1 of 4 stars; one submission).

Submission:

GeneDx
Classification: Uncertain significance. Last evaluated: 2019-06-11. Review status: criteria provided, single submitter. Criteria: GeneDx Variant Classification Process June 2021. Collection method: clinical testing. Allele origin: germline. Affected: yes.
Comment: Not observed in large population cohorts (Lek et al., 2016); In silico analysis, which includes splice predictors and evolutionary conservation, supports a deleterious effect; Has not been previously published as pathogenic or benign to our knowledge

NM_001127222.2(CACNA1A):c.1255+2dup

Gene: CACNA1A (calcium voltage-gated channel subunit alpha1 A; minus strand). Cytogenetic location: 19p13.13.
Variant type: Duplication.
Coding change: c.1255+2dup on transcript NM_001127222.2 (MANE Select); the canonical splice donor site of the intron after coding-DNA position 1255, one base duplicated (T; older notation c.1255+2dupT).
Molecular consequence: splice donor variant.
Genome position (GRCh38, 1-based): chr19:13,332,867, A duplicated on the plus strand (T on the coding strand, the reverse complement: CACNA1A is on the minus strand). VCF-style (leftmost placement, unchanged base first): chr19-13332866-T-TA. GRCh37 (hg19) VCF-style: chr19-13443680-T-TA.
Other names: c.1255+2dupT (NM_001127221.1); c.1255+2dup (NM_001127221.2, NM_001174080.2, NM_000068.4 and 1 more transcripts).
Identifiers: ClinVar variation 503962 (VCV000503962.3), dbSNP rs1555767190, ClinGen allele CA658799163.
Genomic context (GRCh38, chr19:13,332,866, plus strand): 5'-CCCCACCACAGCTTCTCCCTTCTCCCCTGGGACCCACCCCTGAGGTGGGTTTAGAGCAGT[T>TA]ACCATCAAAGGGATGCCTCTGCTCCCCGTCAGTTTCATCCTCGGCGAGGATCACCTCTTC-3'